The following is an entry in ClinVar:

NM_004187.5(KDM5C):c.1988C>T (p.Ala663Val)

Gene: KDM5C (lysine demethylase 5C; minus strand). Cytogenetic location: Xp11.22.
Variant type: single nucleotide variant.
Coding change: c.1988C>T on transcript NM_004187.5 (MANE Select); coding-DNA position 1988, C replaced by T.
Protein change: p.Ala663Val; replaces alanine 663 with valine.
Molecular consequence: missense variant. On other transcripts: non-coding transcript variant (3).
Genome position (GRCh38, 1-based): chrX:53,201,623, G>A on the plus strand (C>T on the coding strand, the complement: KDM5C is on the minus strand). VCF-style: chrX-53201623-G-A. GRCh37 (hg19) VCF-style: chrX-53230805-G-A.
Other names: c.1787C>T, p.Ala596Val (NM_001146702.2); c.1985C>T, p.Ala662Val (NM_001282622.3, NM_001353979.2, NM_001353982.2); c.1988C>T, p.Ala663Val (NM_001353978.3, NM_001353981.2, NM_001353984.2); short protein forms A663V, A596V, A662V.
Identifiers: ClinVar variation 588154 (VCV000588154.5), dbSNP rs1255690543, ClinGen allele CA413123094.

ClinVar aggregate classification (germline): Uncertain significance (1 of 4 stars; one submission).

Conditions:
Inborn genetic diseases. Identifiers: MedGen C0950123, MeSH D030342.

Allele frequency attached by ClinVar (database versions not stated): gnomAD exomes below 0.00001; TOPMed below 0.00001.
gnomAD v4.1: 3 of 1,211,860 alleles (0.00025%); highest among the groups gnomAD compares: Non-Finnish European, 0.00034%; no homozygotes.

Submission:

Ambry Genetics
Classification: Uncertain significance for Inborn genetic diseases. Last evaluated: 2016-08-16. Review status: criteria provided, single submitter. Criteria: Ambry Variant Classification Scheme 2023. Collection method: clinical testing. Allele origin: germline.
Comment: The p.A663V variant (also known as c.1988C>T), located in coding exon 14 of the KDM5C gene, results from a C to T substitution at nucleotide position 1988. The alanine at codon 663 is replaced by valine, an amino acid with similar properties. This variant was not reported in population based cohorts in the following databases: Database of Single Nucleotide Polymorphisms (dbSNP), NHLBI Exome Sequencing Project (ESP), and 1000 Genomes Project. In the ESP, this variant was not observed in 6503 samples with coverage at this position. This amino acid position is highly conserved in available vertebrate species. In addition, the in silico prediction for this alteration is inconclusive. Since supporting evidence is limited at this time, the clinical significance of this variant remains unclear.